The following is an entry in ClinVar:

ClinVar aggregate classification (germline): Uncertain significance (1 of 4 stars; one submission).

gnomAD v4.1: 1 of 1,613,406 alleles (0.000062%); highest among the groups gnomAD compares: Non-Finnish European, 0.000085%; no homozygotes.

Submission:

GeneDx
Classification: Uncertain significance. Last evaluated: 2024-11-11. Review status: criteria provided, single submitter. Criteria: GeneDx Variant Classification Process June 2021. Collection method: clinical testing. Allele origin: germline. Affected: yes.
Comment: Not observed at significant frequency in large population cohorts (gnomAD); In silico analysis indicates that this missense variant does not alter protein structure/function; Has not been previously published as pathogenic or benign to our knowledge

NM_001127222.2(CACNA1A):c.745A>T (p.Met249Leu)

Gene: CACNA1A (calcium voltage-gated channel subunit alpha1 A; minus strand). Cytogenetic location: 19p13.13.
Variant type: single nucleotide variant.
Coding change: c.745A>T on transcript NM_001127222.2 (MANE Select); coding-DNA position 745, A replaced by T.
Protein change: p.Met249Leu; replaces methionine 249 with leucine.
Molecular consequence: missense variant.
Genome position (GRCh38, 1-based): chr19:13,365,356, T>A on the plus strand (A>T on the coding strand, the complement: CACNA1A is on the minus strand). VCF-style: chr19-13365356-T-A. GRCh37 (hg19) VCF-style: chr19-13476170-T-A.
Other names: c.745A>T, p.Met249Leu (NM_000068.4, NM_001127221.2, NM_001174080.2 and 1 more transcripts); short protein forms M249L.
Identifiers: ClinVar variation 3899569 (VCV003899569.1).